The following is an entry in ClinVar:

NM_000264.5(PTCH1):c.2087_2088insGTC (p.Thr696_Leu697insSer)

Genes: PTCH1 (patched 1; minus strand), LOC100507346 (uncharacterized LOC100507346; plus strand). Cytogenetic location: 9q22.32.
Variant type: Insertion.
Coding change: c.2087_2088insGTC on transcript NM_000264.5 (MANE Select); coding-DNA positions 2087 to 2088, GTC inserted.
Protein change: p.Thr696_Leu697insSer.
Molecular consequence: inframe insertion. On other transcripts: non-coding transcript variant (2), inframe indel (1).
Genome position: GRCh38 VCF-style: chr9-95468913-G-GGAC. GRCh37 (hg19) VCF-style: chr9-98231195-G-GGAC.
Other names: c.1889_1890insGTC, p.Thr630_Leu631insSer (NM_001083602.3); c.2084_2085insGTC, p.Thr695_Leu696insSer (NM_001083603.3); c.1634_1635insGTC, p.Thr545_Leu546insSer (NM_001083604.3, NM_001083605.3, NM_001083606.3 and 1 more transcripts); c.1931_1932insGTC, p.Thr644_Leu645insSer (NM_001354918.2); c.2087_2088insGTC (NM_000264.3).
Identifiers: ClinVar variation 1785648 (VCV001785648.2), dbSNP rs2538146245, ClinGen allele CA2580080851.

ClinVar aggregate classification (germline): Uncertain significance (1 of 4 stars; one submission).

Conditions:
Hereditary cancer-predisposing syndrome. Also called: Neoplastic Syndromes, Hereditary; Tumor predisposition; Hereditary Cancer Syndrome; Hereditary neoplastic syndrome. Identifiers: Orphanet 140162, MedGen C0027672, MeSH D009386, MONDO:0015356.

Submission:

Ambry Genetics
Classification: Uncertain significance for Hereditary cancer-predisposing syndrome. Last evaluated: 2020-08-28. Review status: criteria provided, single submitter. Criteria: Ambry Variant Classification Scheme 2023. Collection method: clinical testing. Allele origin: germline.
Comment: The c.2087_2088insGTC variant (also known as p.T696_L697insS), located in coding exon 14 of the PTCH1 gene, results from an in-frame GTC insertion at nucleotide positions 2087 to 2088. This results in the insertion of an extra serine residue between codons 696 and 697. This amino acid region is generally well conserved in available vertebrate species. In addition, this alteration is predicted to be neutral by in silico analysis (Choi Y et al. PLoS ONE. 2012; 7(10):e46688). Since supporting evidence is limited at this time, the clinical significance of this alteration remains unclear.